The following is an entry in ClinVar:

NM_138773.4(SLC25A46):c.44G>A (p.Arg15Gln)

Gene: SLC25A46 (solute carrier family 25 member 46; plus strand). Cytogenetic location: 5q22.1.
Variant type: single nucleotide variant.
Coding change: c.44G>A on transcript NM_138773.4 (MANE Select); coding-DNA position 44, G replaced by A.
Protein change: p.Arg15Gln; replaces arginine 15 with glutamine.
Molecular consequence: missense variant. On other transcripts: non-coding transcript variant (1), intron variant (1).
Genome position (GRCh38, 1-based): chr5:110,739,163, G>A. VCF-style: chr5-110739163-G-A. GRCh37 (hg19) VCF-style: chr5-110074864-G-A.
Other names: c.44G>A, p.Arg15Gln (NM_001303249.3); c.10+916G>A (NM_001303250.3); short protein forms R15Q.
Identifiers: ClinVar variation 542449 (VCV000542449.15), dbSNP rs372382932, ClinGen allele CA3364462.
Genomic context (GRCh38, chr5:110,739,163, plus strand): 5'-ATCCTGCCCCCGCTGCGATGCATCCGCGGCGCCCGGACGGATTTGATGGCTTGGGCTACC[G>A]GGGTGGTGCCCGGGACGAGCAGGGCTTTGGCGGCGCCTTCCCTGCAAGGTCCTTCAGCAC-3'
Protein context (NP_620128.1, residues 5-25): RPDGFDGLGY[Arg15Gln]GGARDEQGFG

ClinVar aggregate classification (germline): Uncertain significance. Review status: criteria provided, multiple submitters, no conflicts (2 of 4 stars). 5 submissions from 5 submitters: Uncertain significance (5). Last evaluated 2026-10-08.

Conditions:
Inborn genetic diseases. Identifiers: MedGen C0950123, MeSH D030342.
Neuropathy, hereditary motor and sensory, type 6B (HMSN6B). Also called: Neuropathy, hereditary motor and sensory, type VIB; HMSN VIB; CHARCOT-MARIE-TOOTH DISEASE, TYPE 6B; NEUROPATHY, HEREDITARY MOTOR AND SENSORY, TYPE VIB, WITH OPTIC ATROPHY. Identifiers: MedGen C4225302, MONDO:0014671, OMIM 616505.

Allele frequency attached by ClinVar (database versions not stated): ExAC 0.00012; TOPMed 0.00012; ESP Exome Variant Server 0.00016.
gnomAD v4.1: 62 of 1,550,010 alleles (0.004%); highest among the groups gnomAD compares: Middle Eastern, 0.018%; no homozygotes.

Submissions (5):

GeneDx
Classification: Uncertain significance. Last evaluated: 2026-10-08. Review status: criteria provided, single submitter. Criteria: GeneDx Variant Classification Process June 2021. Collection method: clinical testing. Allele origin: germline.
Comment: Not observed at significant frequency in large population cohorts (gnomAD); In silico analysis suggests that this missense variant does not alter protein structure/function; Has not been previously published as pathogenic or benign to our knowledge

Women's Health and Genetics/Laboratory Corporation of America, LabCorp
Classification: Uncertain significance. Last evaluated: 2026-04-21. Review status: criteria provided, single submitter. Criteria: LabCorp Variant Classification Summary - May 2015. Collection method: clinical testing. Allele origin: germline.
Comment: Variant summary: SLC25A46 c.44G>A (p.Arg15Gln) results in a conservative amino acid change in the encoded protein sequence. Algorithms developed to predict the effect of missense changes on protein structure and function are either unavailable or do not agree on the potential impact of this missense change. The variant allele was found at a frequency of 3.3e-05 in 153132 control chromosomes. The available data on variant occurrences in the general population are insufficient to allow any conclusion about variant significance. To our knowledge, no occurrence of c.44G>A in individuals affected with SLC25A46-related conditions and no experimental evidence demonstrating its impact on protein function have been reported. ClinVar contains an entry for this variant (Variation ID: 542449). Based on the evidence outlined above, the variant was classified as uncertain significance.

Blueprint Genetics
Classification: Uncertain significance. Last evaluated: 2024-06-10. Review status: criteria provided, single submitter. Criteria: ACMG Guidelines, 2015. Collection method: clinical testing. Allele origin: germline.

Labcorp Genetics (formerly Invitae), Labcorp
Classification: Uncertain significance for Neuropathy, hereditary motor and sensory, type 6B. Last evaluated: 2023-08-17. Review status: criteria provided, single submitter. Criteria: Invitae Variant Classification Sherloc (09022015). Collection method: clinical testing. Allele origin: germline.
Comment: In summary, the available evidence is currently insufficient to determine the role of this variant in disease. Therefore, it has been classified as a Variant of Uncertain Significance. An algorithm developed to predict the effect of missense changes on protein structure and function (PolyPhen-2) suggests that this variant¬†is likely to be tolerated. ClinVar contains an entry for this variant (Variation ID: 542449). This variant has not been reported in the literature in individuals affected with SLC25A46-related conditions. This variant is present in population databases (rs372382932, gnomAD 0.007%). This sequence change replaces arginine, which is basic and polar, with glutamine, which is neutral and polar, at codon 15 of the SLC25A46 protein (p.Arg15Gln).

Ambry Genetics
Classification: Uncertain significance for Inborn genetic diseases. Last evaluated: 2022-09-28. Review status: criteria provided, single submitter. Criteria: Ambry Variant Classification Scheme 2023. Collection method: clinical testing. Allele origin: germline.